The following is an entry in ClinVar:

NM_032520.5(GNPTG):c.472G>A (p.Val158Ile)

Gene: GNPTG (N-acetylglucosamine-1-phosphate transferase subunit gamma; plus strand). Cytogenetic location: 16p13.3.
Variant type: single nucleotide variant.
Coding change: c.472G>A on transcript NM_032520.5 (MANE Select); coding-DNA position 472, G replaced by A.
Protein change: p.Val158Ile; replaces valine 158 with isoleucine.
Molecular consequence: missense variant.
Genome position (GRCh38, 1-based): chr16:1,362,266, G>A. VCF-style: chr16-1362266-G-A. GRCh37 (hg19) VCF-style: chr16-1412267-G-A.
Other names: short protein forms V158I.
Identifiers: ClinVar variation 840086 (VCV000840086.6), dbSNP rs138018487, ClinGen allele CA7807717.

ClinVar aggregate classification (germline): Conflicting classifications of pathogenicity. Review status: criteria provided, conflicting classifications (1 of 4 stars). 3 submissions from 3 submitters: Uncertain significance (1); Likely benign (1). 1 of the submissions does not count toward it. Last evaluated 2025-01-23.

Conditions:
GNPTG-mucolipidosis. Also called: ML III GAMMA; ML IIIC; Mucolipidosis type III gamma; MUCOLIPIDOSIS III, COMPLEMENTATION GROUP C; MUCOLIPIDOSIS III, IRANIAN VARIANT FORM; MUCOLIPIDOSIS III, VARIANT FORM. Identifiers: Orphanet 423470, Orphanet 577, MedGen C1854896, MONDO:0009652, OMIM 252605.

Allele frequency attached by ClinVar (database versions not stated): ExAC 0.00027; 1000 Genomes Project 30x 0.00031; gnomAD 0.00034 and 0.00036; gnomAD exomes 0.00039 and 0.00057; TOPMed 0.00039; 1000 Genomes Project 0.00040; ESP Exome Variant Server 0.00069.
gnomAD v4.1: 877 of 1,613,516 alleles (0.054%); highest among the groups gnomAD compares: Non-Finnish European, 0.067%; 3 homozygotes.

Submissions (3):

Labcorp Genetics (formerly Invitae), Labcorp
Classification: Uncertain significance. Last evaluated: 2025-01-23. Review status: criteria provided, single submitter. Criteria: Invitae Variant Classification Sherloc (09022015). Collection method: clinical testing. Allele origin: germline.
Comment: This sequence change replaces valine, which is neutral and non-polar, with isoleucine, which is neutral and non-polar, at codon 158 of the GNPTG protein (p.Val158Ile). This variant is present in population databases (rs138018487, gnomAD 0.06%). This variant has not been reported in the literature in individuals affected with GNPTG-related conditions. ClinVar contains an entry for this variant (Variation ID: 840086). Invitae Evidence Modeling of protein sequence and biophysical properties (such as structural, functional, and spatial information, amino acid conservation, physicochemical variation, residue mobility, and thermodynamic stability) indicates that this missense variant is not expected to disrupt GNPTG protein function with a negative predictive value of 80%. In summary, the available evidence is currently insufficient to determine the role of this variant in disease. Therefore, it has been classified as a Variant of Uncertain Significance.

Blueprint Genetics
Classification: Likely benign. Last evaluated: 2024-11-18. Review status: criteria provided, single submitter. Criteria: ACMG Guidelines, 2015. Collection method: clinical testing. Allele origin: germline.

Natera, Inc.
Classification: Uncertain significance for Mucolipidosis III gamma. Last evaluated: 2020-01-12. Review status: no assertion criteria provided. Collection method: clinical testing. Allele origin: germline. Not counted in ClinVar's aggregate classification.